The following is an entry in ClinVar:

ClinVar aggregate classification (germline): Uncertain significance. Review status: criteria provided, multiple submitters, no conflicts (2 of 4 stars). 2 submissions from 2 submitters: Uncertain significance (2). Last evaluated 2025-10-31.

Conditions:
Neurofibromatosis, type 1 (NF1). Also called: VON RECKLINGHAUSEN DISEASE; NEUROFIBROMATOSIS, TYPE I, SOMATIC; Peripheral type neurofibromatosis; Neurofibromatosis, type I. Identifiers: Orphanet 636, MedGen C0027831, MONDO:0018975, OMIM 162200. Disease mechanism: loss of function.

Allele frequency attached by ClinVar (database versions not stated): gnomAD exomes below 0.00001.
gnomAD v4.1: 1 of 1,611,290 alleles (0.000062%); highest among the groups gnomAD compares: Non-Finnish European, 0.000085%; no homozygotes.

Submissions (2):

Quest Diagnostics Nichols Institute San Juan Capistrano
Classification: Uncertain significance. Last evaluated: 2025-10-31. Review status: criteria provided, single submitter. Criteria: Quest Diagnostics criteria. Collection method: clinical testing. Allele origin: unknown.

Labcorp Genetics (formerly Invitae), Labcorp
Classification: Uncertain significance for Neurofibromatosis, type 1. Last evaluated: 2024-02-13. Review status: criteria provided, single submitter. Criteria: Invitae Variant Classification Sherloc (09022015). Collection method: clinical testing. Allele origin: germline.
Comment: This sequence change replaces threonine, which is neutral and polar, with isoleucine, which is neutral and non-polar, at codon 1052 of the NF1 protein (p.Thr1052Ile). This variant is not present in population databases (gnomAD no frequency). This variant has not been reported in the literature in individuals affected with NF1-related conditions. ClinVar contains an entry for this variant (Variation ID: 951552). Advanced modeling of protein sequence and biophysical properties (such as structural, functional, and spatial information, amino acid conservation, physicochemical variation, residue mobility, and thermodynamic stability) has been performed at Invitae for this missense variant, however the output from this modeling did not meet the statistical confidence thresholds required to predict the impact of this variant on NF1 protein function. In summary, the available evidence is currently insufficient to determine the role of this variant in disease. Therefore, it has been classified as a Variant of Uncertain Significance.

NM_001042492.3(NF1):c.3155C>T (p.Thr1052Ile)

Gene: NF1 (neurofibromin 1; plus strand). Cytogenetic location: 17q11.2.
Variant type: single nucleotide variant.
Coding change: c.3155C>T on transcript NM_001042492.3 (MANE Select); coding-DNA position 3155, C replaced by T.
Protein change: p.Thr1052Ile; replaces threonine 1052 with isoleucine.
Molecular consequence: missense variant.
Genome position (GRCh38, 1-based): chr17:31,230,883, C>T. VCF-style: chr17-31230883-C-T. GRCh37 (hg19) VCF-style: chr17-29557901-C-T.
Other names: c.3155C>T, p.Thr1052Ile (NM_000267.4); short protein forms T1052I.
Identifiers: ClinVar variation 951552 (VCV000951552.7), dbSNP rs2067101916, ClinGen allele CA398988049.
Genomic context (GRCh38, chr17:31,230,883, plus strand): 5'-TTTCTCCACCATTCTATAGGAATAAGATGGTAGAATACCTGACAGACTGGGTTATGGGAA[C>T]ATCAAACCAAGCAGCAGATGATGATGTAAAATGTCTTACAAGGTAAAAAAAGAATGACCT-3'
Protein context (NP_001035957.1, residues 1042-1062): VEYLTDWVMG[Thr1052Ile]SNQAADDDVK